The following is an entry in ClinVar:

ClinVar aggregate classification (germline): Conflicting classifications of pathogenicity. Review status: criteria provided, conflicting classifications (1 of 4 stars). 2 submissions from 2 submitters: Likely pathogenic (1); Uncertain significance (1). Last evaluated 2025-11-03.

Conditions:
Muscular dystrophy-dystroglycanopathy (congenital with brain and eye anomalies), type A2. Also called: WALKER-WARBURG SYNDROME OR MUSCLE-EYE-BRAIN DISEASE, POMT2-RELATED; MUSCULAR DYSTROPHY-DYSTROGLYCANOPATHY (CONGENITAL WITH BRAIN AND EYE ANOMALIES), TYPE A, 2. Identifiers: Orphanet 588, Orphanet 899, MedGen C3150411, MONDO:0013154, OMIM 613150.
Muscular dystrophy-dystroglycanopathy (congenital with impaired intellectual development), type B, 2. Also called: Muscular dystrophy-dystroglycanopathy (congenital with intellectual disability), type B2; MUSCULAR DYSTROPHY, CONGENITAL, POMT2-RELATED. Identifiers: MedGen C3150416, MONDO:0013160, OMIM 613156.
Autosomal recessive limb-girdle muscular dystrophy type 2N. Also called: MUSCULAR DYSTROPHY-DYSTROGLYCANOPATHY, LIMB-GIRDLE, POMT2-RELATED; Muscular dystrophy-dystroglycanopathy (limb-girdle), type C, 2. Identifiers: Orphanet 206559, MedGen C3150418, MONDO:0013162, OMIM 613158.

Allele frequency attached by ClinVar (database versions not stated): gnomAD 0.00001; gnomAD exomes 0.00001; TOPMed below 0.00001; ExAC 0.00001.

Submissions (2):

Labcorp Genetics (formerly Invitae), Labcorp
Classification: Uncertain significance for Muscular dystrophy-dystroglycanopathy (congenital with impaired intellectual development), type B, 2; Muscular dystrophy-dystroglycanopathy (congenital with brain and eye anomalies), type A2; Autosomal recessive limb-girdle muscular dystrophy type 2N. Last evaluated: 2025-11-03. Review status: criteria provided, single submitter. Criteria: Invitae Variant Classification Sherloc (09022015). Collection method: clinical testing. Allele origin: germline.
Comment: This sequence change replaces leucine, which is neutral and non-polar, with phenylalanine, which is neutral and non-polar, at codon 229 of the POMT2 protein (p.Leu229Phe). This variant is present in population databases (rs754512099, gnomAD 0.003%). This missense change has been observed in individual(s) with POMT2-related conditions (PMID: 37273706, 37526466). ClinVar contains an entry for this variant (Variation ID: 645110). Invitae Evidence Modeling of protein sequence and biophysical properties (such as structural, functional, and spatial information, amino acid conservation, physicochemical variation, residue mobility, and thermodynamic stability) has been performed for this missense variant. However, the output from this modeling did not meet the statistical confidence thresholds required to predict the impact of this variant on POMT2 protein function. In summary, the available evidence is currently insufficient to determine the role of this variant in disease. Therefore, it has been classified as a Variant of Uncertain Significance.

Fulgent Genetics
Classification: Likely pathogenic for Muscular dystrophy-dystroglycanopathy (congenital with brain and eye anomalies), type A2; Muscular dystrophy-dystroglycanopathy (congenital with impaired intellectual development), type B, 2; Autosomal recessive limb-girdle muscular dystrophy type 2N. Last evaluated: 2024-03-20. Review status: criteria provided, single submitter. Criteria: ACMG Guidelines, 2015. Collection method: clinical testing. Allele origin: germline.

Literature cited by the submitters: PubMed 37273706 (cited by Labcorp Genetics (formerly Invitae), Labcorp); PubMed 37526466 (cited by Labcorp Genetics (formerly Invitae), Labcorp).

NM_013382.7(POMT2):c.685C>T (p.Leu229Phe)

Genes: POMT2 (protein O-mannosyltransferase 2; minus strand), LOC130056175 (ATAC-STARR-seq lymphoblastoid silent region 5968; plus strand). Cytogenetic location: 14q24.3.
Variant type: single nucleotide variant.
Coding change: c.685C>T on transcript NM_013382.7 (MANE Select); coding-DNA position 685, C replaced by T.
Protein change: p.Leu229Phe; replaces leucine 229 with phenylalanine.
Molecular consequence: missense variant.
Genome position (GRCh38, 1-based): chr14:77,301,221, G>A on the plus strand (C>T on the coding strand, the complement: POMT2 is on the minus strand). VCF-style: chr14-77301221-G-A. GRCh37 (hg19) VCF-style: chr14-77767564-G-A.
Other names: short protein forms L229F.
Identifiers: ClinVar variation 645110 (VCV000645110.10), dbSNP rs754512099, ClinGen allele CA7286107.
Genomic context (GRCh38, chr14:77,301,221, plus strand): 5'-TAAAGAGGCCAACAAACTTGACCCCTAAAGCACCAGCAAGACTAACGCCAGTCAGGCTGA[G>A]CCAGAACCACCAGGGGGCAGAGAAGGGCCTGAAAATCAACAAGACGGAGTTCAATTTGGC-3'
Protein context (NP_037514.2, residues 219-239): RPFSAPWWFW[Leu229Phe]SLTGVSLAGA